The following is an entry in ClinVar:

NM_004279.3(PMPCB):c.626G>A (p.Arg209Gln)

Gene: PMPCB (peptidase, mitochondrial processing subunit beta; plus strand). Cytogenetic location: 7q22.1.
Variant type: single nucleotide variant.
Coding change: c.626G>A on transcript NM_004279.3 (MANE Select); coding-DNA position 626, G replaced by A.
Protein change: p.Arg209Gln; replaces arginine 209 with glutamine.
Molecular consequence: missense variant.
Genome position (GRCh38, 1-based): chr7:103,304,010, G>A. VCF-style: chr7-103304010-G-A. GRCh37 (hg19) VCF-style: chr7-102944457-G-A.
Other names: short protein forms R209Q.
Identifiers: ClinVar variation 2634037 (VCV002634037.3), dbSNP rs145718159, ClinGen allele CA4418007.

ClinVar aggregate classification (germline): Uncertain significance. Review status: criteria provided, multiple submitters, no conflicts (2 of 4 stars). 3 submissions from 3 submitters: Uncertain significance (3). Last evaluated 2024-05-14.

Conditions:
Inborn genetic diseases. Identifiers: MedGen C0950123, MeSH D030342.
PMPCB-related disorder. Also called: PMPCB-related condition.

Allele frequency attached by ClinVar (database versions not stated): gnomAD exomes 0.00004; ExAC 0.00009; 1000 Genomes Project 30x 0.00016; 1000 Genomes Project 0.00020; gnomAD 0.00025; ESP Exome Variant Server 0.00031; TOPMed 0.00033.
gnomAD v4.1: 93 of 1,613,384 alleles (0.0058%); highest among the groups gnomAD compares: African/African-American, 0.087%; no homozygotes.

Submissions (3):

Ambry Genetics
Classification: Uncertain significance for Inborn genetic diseases. Last evaluated: 2024-05-14. Review status: criteria provided, single submitter. Criteria: Ambry Variant Classification Scheme 2023. Collection method: clinical testing. Allele origin: germline.

GeneDx
Classification: Uncertain significance. Last evaluated: 2024-01-09. Review status: criteria provided, single submitter. Criteria: GeneDx Variant Classification Process June 2021. Collection method: clinical testing. Allele origin: germline. Affected: yes.
Comment: Has not been previously published as pathogenic or benign to our knowledge; In silico analysis supports that this missense variant does not alter protein structure/function

PreventionGenetics, part of Exact Sciences
Classification: Uncertain significance for PMPCB-related condition. Last evaluated: 2023-02-03. Review status: criteria provided, single submitter. Criteria: ACMG Guidelines, 2015. Collection method: clinical testing. Allele origin: germline.
Comment: The PMPCB c.626G>A variant is predicted to result in the amino acid substitution p.Arg209Gln. To our knowledge, this variant has not been reported in the literature. This variant is reported in 0.10% of alleles in individuals of African descent in gnomAD. At this time, the clinical significance of this variant is uncertain due to the absence of conclusive functional and genetic evidence.